The following is an entry in ClinVar:

NM_015488.5(PNKD):c.974G>A (p.Arg325His)

Genes: PNKD (PNKD metallo-beta-lactamase domain containing; plus strand), CATIP-AS2 (CATIP antisense RNA 2; minus strand). Cytogenetic location: 2q35.
Variant type: single nucleotide variant.
Coding change: c.974G>A on transcript NM_015488.5 (MANE Select); coding-DNA position 974, G replaced by A.
Protein change: p.Arg325His; replaces arginine 325 with histidine.
Molecular consequence: missense variant.
Genome position (GRCh38, 1-based): chr2:218,344,560, G>A. VCF-style: chr2-218344560-G-A. GRCh37 (hg19) VCF-style: chr2-219209283-G-A.
Other names: c.902G>A, p.Arg301His (NM_022572.5); short protein forms R325H, R301H.
Identifiers: ClinVar variation 1450116 (VCV001450116.6), dbSNP rs756621298, ClinGen allele CA2104167.

ClinVar aggregate classification (germline): Uncertain significance (1 of 4 stars; one submission).

Conditions:
Paroxysmal nonkinesigenic dyskinesia. Also called: Paroxysmal non-kinesigenic dyskinesia. Identifiers: Orphanet 98810, MedGen C1869117, MONDO:0700088.

Allele frequency attached by ClinVar (database versions not stated): gnomAD 0.00001; gnomAD exomes 0.00001; TOPMed 0.00001; ExAC 0.00002.
gnomAD v4.1: 11 of 1,587,540 alleles (0.00069%); highest among the groups gnomAD compares: East Asian, 0.0046%; no homozygotes.

Submission:

Labcorp Genetics (formerly Invitae), Labcorp
Classification: Uncertain significance for Paroxysmal nonkinesigenic dyskinesia. Last evaluated: 2023-06-10. Review status: criteria provided, single submitter. Criteria: Invitae Variant Classification Sherloc (09022015). Collection method: clinical testing. Allele origin: germline.
Comment: In summary, the available evidence is currently insufficient to determine the role of this variant in disease. Therefore, it has been classified as a Variant of Uncertain Significance. Advanced modeling of protein sequence and biophysical properties (such as structural, functional, and spatial information, amino acid conservation, physicochemical variation, residue mobility, and thermodynamic stability) performed at Invitae indicates that this missense variant is not expected to disrupt PNKD protein function. ClinVar contains an entry for this variant (Variation ID: 1450116). This variant has not been reported in the literature in individuals affected with PNKD-related conditions. The frequency data for this variant in the population databases is considered unreliable, as metrics indicate poor data quality at this position in the gnomAD database. This sequence change replaces arginine, which is basic and polar, with histidine, which is basic and polar, at codon 325 of the PNKD protein (p.Arg325His).